The following is an entry in ClinVar:

NM_001378030.1(CCDC78):c.286C>T (p.Arg96Trp)

Gene: CCDC78 (coiled-coil domain containing 78; minus strand). Cytogenetic location: 16p13.3.
Variant type: single nucleotide variant.
Coding change: c.286C>T on transcript NM_001378030.1 (MANE Select); coding-DNA position 286, C replaced by T.
Protein change: p.Arg96Trp; replaces arginine 96 with tryptophan.
Molecular consequence: missense variant. On other transcripts: non-coding transcript variant (5), intron variant (1).
Genome position (GRCh38, 1-based): chr16:725,562, G>A on the plus strand (C>T on the coding strand, the complement: CCDC78 is on the minus strand). VCF-style: chr16-725562-G-A. GRCh37 (hg19) VCF-style: chr16-775562-G-A.
Other names: c.286C>T, p.Arg96Trp (NM_001031737.3, NM_001378031.1); c.-19+232C>T (NM_001378033.1); short protein forms R96W.
Identifiers: ClinVar variation 1500973 (VCV001500973.8), dbSNP rs767068294, ClinGen allele CA7789658.

ClinVar aggregate classification (germline): Uncertain significance (1 of 4 stars; one submission).

Conditions:
Congenital myopathy with internal nuclei and atypical cores. Also called: Myopathy, centronuclear, 4. Identifiers: Orphanet 319160, MedGen C4707232, MONDO:0013890, OMIM 614807.

Allele frequency attached by ClinVar (database versions not stated): gnomAD 0.00001; TOPMed 0.00001.

Submission:

Labcorp Genetics (formerly Invitae), Labcorp
Classification: Uncertain significance for Congenital myopathy with internal nuclei and atypical cores. Last evaluated: 2025-09-11. Review status: criteria provided, single submitter. Criteria: Invitae Variant Classification Sherloc (09022015). Collection method: clinical testing. Allele origin: germline.
Comment: This sequence change replaces arginine, which is basic and polar, with tryptophan, which is neutral and slightly polar, at codon 96 of the CCDC78 protein (p.Arg96Trp). This variant is present in population databases (rs767068294, gnomAD 0.003%). This variant has not been reported in the literature in individuals affected with CCDC78-related conditions. ClinVar contains an entry for this variant (Variation ID: 1500973). Invitae Evidence Modeling of protein sequence and biophysical properties (such as structural, functional, and spatial information, amino acid conservation, physicochemical variation, residue mobility, and thermodynamic stability) has been performed for this missense variant. However, the output from this modeling did not meet the statistical confidence thresholds required to predict the impact of this variant on CCDC78 protein function. In summary, the available evidence is currently insufficient to determine the role of this variant in disease. Therefore, it has been classified as a Variant of Uncertain Significance.